The following is an entry in ClinVar:

NM_001374736.1(DST):c.2491-6C>T

Gene: DST (dystonin; minus strand). Cytogenetic location: 6p12.1.
Variant type: single nucleotide variant.
Coding change: c.2491-6C>T on transcript NM_001374736.1 (MANE Select); 6 bases into the intron before coding-DNA position 2491, C replaced by T.
Molecular consequence: intron variant.
Genome position (GRCh38, 1-based): chr6:56,640,063, G>A on the plus strand (C>T on the coding strand, the complement: DST is on the minus strand). VCF-style: chr6-56640063-G-A. GRCh37 (hg19) VCF-style: chr6-56504861-G-A.
Other names: p.?; c.2392-6C>T (NM_001144769.5); c.2491-6C>T (NM_001374722.1); c.2518-6C>T (NM_001374734.1); c.1978-6C>T (NM_001144770.2); c.1858-6C>T (NM_001374730.1, NM_001386100.1, NM_183380.4 and 1 more transcripts); c.880-6C>T (NM_015548.5, NM_001723.7).
Identifiers: ClinVar variation 541486 (VCV000541486.16), dbSNP rs143259402, ClinGen allele CA3871404.

ClinVar aggregate classification (germline): Benign. Review status: criteria provided, multiple submitters, no conflicts (2 of 4 stars). 3 submissions from 3 submitters: Benign (3). Last evaluated 2026-01-04.

Conditions:
DST-related disorder. Also called: DST-related disorders; DST-related condition.
Epidermolysis bullosa simplex 3, localized or generalized intermediate, with BP230 deficiency (EBS3). Also called: Epidermolysis bullosa simplex due to BP230 deficiency; Epidermolysis bullosa simplex, autosomal recessive 2. Identifiers: Orphanet 412181, MedGen C3809470, MONDO:0014180, OMIM 615425.
Hereditary sensory and autonomic neuropathy type 6. Also called: Neuropathy, hereditary sensory and autonomic, type VI; HSAN VI. Identifiers: Orphanet 314381, MedGen C3539003, MONDO:0013839, OMIM 614653.

Allele frequency attached by ClinVar (database versions not stated): TOPMed 0.00652; 1000 Genomes Project 0.00699; ESP Exome Variant Server 0.00708; gnomAD exomes 0.00152; ExAC 0.00178; 1000 Genomes Project 30x 0.00593; gnomAD 0.00593 and 0.00635.
gnomAD v4.1: 1,707 of 1,613,946 alleles (0.11%); highest among the groups gnomAD compares: African/African-American, 2%; 9 homozygotes.

Submissions (3):

Labcorp Genetics (formerly Invitae), Labcorp
Classification: Benign for Epidermolysis bullosa simplex 3, localized or generalized intermediate, with BP230 deficiency; Hereditary sensory and autonomic neuropathy type 6. Last evaluated: 2026-01-04. Review status: criteria provided, single submitter. Criteria: Invitae Variant Classification Sherloc (09022015). Collection method: clinical testing. Allele origin: germline.

PreventionGenetics, part of Exact Sciences
Classification: Benign for DST-related condition. Last evaluated: 2025-04-03. Review status: criteria provided, single submitter. Criteria: ACMG Guidelines, 2015. Collection method: clinical testing. Allele origin: germline.
Comment: This variant is classified as benign based on ACMG/AMP sequence variant interpretation guidelines (Richards et al. 2015 PMID: 25741868, with internal and published modifications).

Mayo Clinic Laboratories, Mayo Clinic
Classification: Benign. Last evaluated: 2023-06-05. Review status: criteria provided, single submitter. Criteria: ACMG Guidelines, 2015. Collection method: clinical testing. Allele origin: germline. Observed: 5 variant alleles.